The following is an entry in ClinVar:

ClinVar aggregate classification (germline): Uncertain significance (1 of 4 stars; one submission).

Allele frequency attached by ClinVar (database versions not stated): ExAC 0.00001; gnomAD 0.00001; gnomAD exomes 0.00002; TOPMed 0.00003.
gnomAD v4.1: 26 of 1,613,490 alleles (0.0016%); highest among the groups gnomAD compares: Admixed American, 0.0033%; no homozygotes.

Submission:

Labcorp Genetics (formerly Invitae), Labcorp
Classification: Uncertain significance. Last evaluated: 2022-06-04. Review status: criteria provided, single submitter. Criteria: Invitae Variant Classification Sherloc (09022015). Collection method: clinical testing. Allele origin: germline.
Comment: In summary, the available evidence is currently insufficient to determine the role of this variant in disease. Therefore, it has been classified as a Variant of Uncertain Significance. Algorithms developed to predict the effect of sequence changes on RNA splicing suggest that this variant may create or strengthen a splice site. Algorithms developed to predict the effect of missense changes on protein structure and function (SIFT, PolyPhen-2, Align-GVGD) all suggest that this variant is likely to be tolerated. This variant has not been reported in the literature in individuals affected with HSPG2-related conditions. This variant is present in population databases (rs781611518, gnomAD 0.003%). This sequence change replaces glycine, which is neutral and non-polar, with serine, which is neutral and polar, at codon 4291 of the HSPG2 protein (p.Gly4291Ser).

NM_005529.7(HSPG2):c.12871G>A (p.Gly4291Ser)

Genes: HSPG2 (heparan sulfate proteoglycan 2; minus strand), LDLRAD2 (low density lipoprotein receptor class A domain containing 2; plus strand). Cytogenetic location: 1p36.12.
Variant type: single nucleotide variant.
Coding change: c.12871G>A on transcript NM_005529.7 (MANE Select); coding-DNA position 12871, G replaced by A.
Protein change: p.Gly4291Ser; replaces glycine 4291 with serine.
Molecular consequence: missense variant. On other transcripts: 3 prime UTR variant (1).
Genome position (GRCh38, 1-based): chr1:21,824,149, C>T on the plus strand (G>A on the coding strand, the complement: HSPG2 is on the minus strand). VCF-style: chr1-21824149-C-T. GRCh37 (hg19) VCF-style: chr1-22150642-C-T.
Other names: c.12874G>A, p.Gly4292Ser (NM_001291860.2); c.*1934C>T (NM_001013693.3); short protein forms G4291S, G4292S.
Identifiers: ClinVar variation 2186751 (VCV002186751.2), dbSNP rs781611518, ClinGen allele CA669253.